The following is an entry in ClinVar:

ClinVar aggregate classification (germline): Uncertain significance (1 of 4 stars; one submission).

Conditions:
Primary ciliary dyskinesia. Also called: Ciliary dyskinesia. Identifiers: Orphanet 244, MedGen C0008780, MONDO:0016575, HP:0012265.

Allele frequency attached by ClinVar (database versions not stated): TOPMed below 0.00001; ExAC 0.00001; gnomAD 0.00001.
gnomAD v4.1: 28 of 1,612,944 alleles (0.0017%); highest among the groups gnomAD compares: African/African-American, 0.004%; no homozygotes.

Submission:

Labcorp Genetics (formerly Invitae), Labcorp
Classification: Uncertain significance for Primary ciliary dyskinesia. Last evaluated: 2022-07-03. Review status: criteria provided, single submitter. Criteria: Invitae Variant Classification Sherloc (09022015). Collection method: clinical testing. Allele origin: germline.
Comment: This sequence change replaces isoleucine, which is neutral and non-polar, with leucine, which is neutral and non-polar, at codon 631 of the DNAH8 protein (p.Ile631Leu). This variant is present in population databases (rs757558240, gnomAD 0.0009%). This variant has not been reported in the literature in individuals affected with DNAH8-related conditions. Algorithms developed to predict the effect of missense changes on protein structure and function are either unavailable or do not agree on the potential impact of this missense change (SIFT: "Tolerated"; PolyPhen-2: "Not Available"; Align-GVGD: "Class C0"). In summary, the available evidence is currently insufficient to determine the role of this variant in disease. Therefore, it has been classified as a Variant of Uncertain Significance.

NM_001206927.2(DNAH8):c.1891A>C (p.Ile631Leu)

Gene: DNAH8 (dynein axonemal heavy chain 8; plus strand). Cytogenetic location: 6p21.2.
Variant type: single nucleotide variant.
Coding change: c.1891A>C on transcript NM_001206927.2 (MANE Select); coding-DNA position 1891, A replaced by C.
Protein change: p.Ile631Leu; replaces isoleucine 631 with leucine.
Molecular consequence: missense variant.
Genome position (GRCh38, 1-based): chr6:38,775,880, A>C. VCF-style: chr6-38775880-A-C. GRCh37 (hg19) VCF-style: chr6-38743656-A-C.
Other names: c.1240A>C, p.Ile414Leu (NM_001371.4); short protein forms I631L, I414L.
Identifiers: ClinVar variation 1918439 (VCV001918439.2), dbSNP rs757558240, ClinGen allele CA3788345.